The following is an entry in ClinVar:

NM_000520.6(HEXA):c.917T>A (p.Leu306Ter)

Gene: HEXA (hexosaminidase subunit alpha; minus strand). Cytogenetic location: 15q23.
Variant type: single nucleotide variant.
Coding change: c.917T>A on transcript NM_000520.6 (MANE Select); coding-DNA position 917, T replaced by A.
Protein change: p.Leu306Ter; replaces leucine 306 with a stop codon.
Molecular consequence: nonsense. On other transcripts: non-coding transcript variant (1).
Genome position (GRCh38, 1-based): chr15:72,349,148, A>T on the plus strand (T>A on the coding strand, the complement: HEXA is on the minus strand). VCF-style: chr15-72349148-A-T. GRCh37 (hg19) VCF-style: chr15-72641489-A-T.
Other names: c.950T>A, p.Leu317Ter (NM_001318825.2); short protein forms L306*, L317*.
Identifiers: ClinVar variation 5014155 (VCV005014155.1).

ClinVar aggregate classification (germline): Pathogenic (1 of 4 stars; one submission).

Conditions:
Tay-Sachs disease (TSD). Also called: HEXA DEFICIENCY; GM2 gangliosidosis, type 1; Hexosaminidase alpha-subunit deficiency (variant B); Sphingolipidosis, Tay-Sachs; Hexosaminidase A Deficiency; HEXA Disorders. Identifiers: Orphanet 845, MedGen C0039373, MONDO:0010100, OMIM 272800.

Submission:

Myriad Genetics, Inc.
Classification: Pathogenic for Tay-Sachs disease. Last evaluated: 2025-03-01. Review status: criteria provided, single submitter. Criteria: Myriad Autosomal Dominant, Autosomal Recessive and X-Linked Classification Criteria (2023). Collection method: clinical testing. Allele origin: unknown.
Comment: NM_000520.4(HEXA):c.917T>A(L306*) is expected to be pathogenic in the context of hexosaminidase A deficiency. This variant is predicted to lead to an abnormal or absent protein product due to the creation of a premature termination codon in HEXA, a gene where loss-of-function variants are known to be pathogenic. Please note: this variant was assessed in the context of healthy population screening.